The following is an entry in ClinVar:

ClinVar aggregate classification (germline): Benign/Likely benign. Review status: criteria provided, multiple submitters, no conflicts (2 of 4 stars). 5 submissions from 5 submitters: Benign (4); Likely benign (1). Last evaluated 2025-11-25.

Conditions:
Gray platelet syndrome (GPS). Also called: BLEEDING DISORDER, PLATELET-TYPE, 4. Identifiers: Orphanet 721, MedGen C0272302, MONDO:0007686, OMIM 139090.

Allele frequency attached by ClinVar (database versions not stated): gnomAD exomes 0.00047 and 0.00137; ExAC 0.00176; ESP Exome Variant Server 0.00484; gnomAD 0.00520 and 0.00554; TOPMed 0.00561; 1000 Genomes Project 0.00759; 1000 Genomes Project 30x 0.00781.
gnomAD v4.1: 1,512 of 1,612,972 alleles (0.094%); highest among the groups gnomAD compares: African/African-American, 1.8%; 12 homozygotes.

Submissions (5):

Labcorp Genetics (formerly Invitae), Labcorp
Classification: Benign. Last evaluated: 2025-11-25. Review status: criteria provided, single submitter. Criteria: Invitae Variant Classification Sherloc (09022015). Collection method: clinical testing. Allele origin: germline.

Blueprint Genetics
Classification: Likely benign. Last evaluated: 2024-11-14. Review status: criteria provided, single submitter. Criteria: ACMG Guidelines, 2015. Collection method: clinical testing. Allele origin: germline.

Genetic Services Laboratory, University of Chicago
Classification: Benign. Last evaluated: 2018-10-30. Review status: criteria provided, single submitter. Criteria: ACMG Guidelines, 2015. Collection method: clinical testing. Allele origin: germline. Affected: no.

Illumina Laboratory Services, Illumina
Classification: Benign for Gray platelet syndrome. Last evaluated: 2018-01-12. Review status: criteria provided, single submitter. Criteria: ICSL Variant Classification Criteria 13 December 2019. Collection method: clinical testing. Allele origin: germline.
Comment: This variant was observed in the ICSL laboratory as part of a predisposition screen in an ostensibly healthy population. It had not been previously curated by ICSL or reported in the Human Gene Mutation Database (HGMD: prior to June 1st, 2018), and was therefore a candidate for classification through an automated scoring system. Utilizing variant allele frequency, disease prevalence and penetrance estimates, and inheritance mode, an automated score was calculated to assess if this variant is too frequent to cause the disease. Based on the score and internal cut-off values, a variant classified as benign is not then subjected to further curation. The score for this variant resulted in a classification of benign for this disease.

Breakthrough Genomics
Classification: Benign. Review status: criteria provided, single submitter. Criteria: ACMG Guidelines, 2015. Collection method: not provided. Allele origin: germline. Inheritance: Autosomal recessive inheritance. Affected: yes.

NM_015175.3(NBEAL2):c.4170G>A (p.Ser1390=)

Gene: NBEAL2 (neurobeachin like 2; plus strand). Cytogenetic location: 3p21.31.
Variant type: single nucleotide variant.
Coding change: c.4170G>A on transcript NM_015175.3 (MANE Select); coding-DNA position 4170, G replaced by A.
Protein change: p.Ser1390=; no amino-acid change (serine 1390 retained).
Molecular consequence: synonymous variant.
Genome position (GRCh38, 1-based): chr3:47,000,269, G>A. VCF-style: chr3-47000269-G-A. GRCh37 (hg19) VCF-style: chr3-47041759-G-A.
Other names: c.4068G>A, p.Ser1356= (NM_001365116.2).
Identifiers: ClinVar variation 435925 (VCV000435925.16), dbSNP rs139822454, ClinGen allele CA2361160.